The following is an entry in ClinVar:

NM_006164.5(NFE2L2):c.46-4A>G

Gene: NFE2L2 (NFE2 like bZIP transcription factor 2; minus strand). Cytogenetic location: 2q31.2.
Variant type: single nucleotide variant.
Coding change: c.46-4A>G on transcript NM_006164.5 (MANE Select); 4 bases into the intron before coding-DNA position 46, A replaced by G.
Molecular consequence: intron variant.
Genome position (GRCh38, 1-based): chr2:177,234,275, T>C on the plus strand (A>G on the coding strand, the complement: NFE2L2 is on the minus strand). VCF-style: chr2-177234275-T-C. GRCh37 (hg19) VCF-style: chr2-178099003-T-C.
Other names: c.46-4A>G (NM_006164.4, NM_001313903.2, NM_001313902.2); c.-3-4A>G (NM_001313900.1, NM_001313901.1, NM_001145413.3 and 1 more transcripts); c.-184-4A>G (NM_001313904.1).
Identifiers: ClinVar variation 1169248 (VCV001169248.12), dbSNP rs201921480, ClinGen allele CA1979951.

ClinVar aggregate classification (germline): Benign/Likely benign. Review status: criteria provided, multiple submitters, no conflicts (2 of 4 stars). 3 submissions from 3 submitters: Benign (1); Likely benign (1). 1 of the submissions does not count toward it. Last evaluated 2026-02-02.

Conditions:
NFE2L2-related disorder. Also called: NFE2L2-related condition.

Allele frequency attached by ClinVar (database versions not stated): gnomAD exomes 0.00004 and 0.00012; ExAC 0.00018; gnomAD 0.00042 and 0.00047; 1000 Genomes Project 30x 0.00047; TOPMed 0.00050; ESP Exome Variant Server 0.00059; 1000 Genomes Project 0.00060.

Submissions (3):

Labcorp Genetics (formerly Invitae), Labcorp
Classification: Benign. Last evaluated: 2026-02-02. Review status: criteria provided, single submitter. Criteria: Invitae Variant Classification Sherloc (09022015). Collection method: clinical testing. Allele origin: germline.

Breakthrough Genomics
Classification: Likely benign. Review status: criteria provided, single submitter. Criteria: ACMG Guidelines, 2015. Collection method: not provided. Allele origin: germline. Inheritance: Autosomal dominant inheritance. Affected: yes.

PreventionGenetics, part of Exact Sciences
Classification: Likely benign for NFE2L2-related condition. Last evaluated: 2023-09-27. Review status: no assertion criteria provided. Collection method: clinical testing. Allele origin: germline. Not counted in ClinVar's aggregate classification.
Comment: This variant is classified as likely benign based on ACMG/AMP sequence variant interpretation guidelines (Richards et al. 2015 PMID: 25741868, with internal and published modifications).